The following is an entry in ClinVar:

ClinVar aggregate classification (germline): Uncertain significance (1 of 4 stars; one submission).

Allele frequency attached by ClinVar (database versions not stated): ExAC 0.00001.
gnomAD v4.1: 2 of 1,614,180 alleles (0.00012%); highest among the groups gnomAD compares: Admixed American, 0.0017%; no homozygotes.

Submission:

Labcorp Genetics (formerly Invitae), Labcorp
Classification: Uncertain significance. Last evaluated: 2022-07-03. Review status: criteria provided, single submitter. Criteria: Invitae Variant Classification Sherloc (09022015). Collection method: clinical testing. Allele origin: germline.
Comment: This sequence change replaces serine, which is neutral and polar, with asparagine, which is neutral and polar, at codon 74 of the WDR4 protein (p.Ser74Asn). This variant is present in population databases (rs779140436, gnomAD 0.003%). This variant has not been reported in the literature in individuals affected with WDR4-related conditions. Algorithms developed to predict the effect of missense changes on protein structure and function output the following: SIFT: "Tolerated"; PolyPhen-2: "Benign"; Align-GVGD: "Class C0". The asparagine amino acid residue is found in multiple mammalian species, which suggests that this missense change does not adversely affect protein function. In summary, the available evidence is currently insufficient to determine the role of this variant in disease. Therefore, it has been classified as a Variant of Uncertain Significance.

NM_018669.6(WDR4):c.221G>A (p.Ser74Asn)

Gene: WDR4 (WDR4 tRNA N7-guanosine methyltransferase non-catalytic subunit; minus strand). Cytogenetic location: 21q22.3.
Variant type: single nucleotide variant.
Coding change: c.221G>A on transcript NM_018669.6 (MANE Select); coding-DNA position 221, G replaced by A.
Protein change: p.Ser74Asn; replaces serine 74 with asparagine.
Molecular consequence: missense variant. On other transcripts: 5 prime UTR variant (3), non-coding transcript variant (1).
Genome position (GRCh38, 1-based): chr21:42,873,626, C>T on the plus strand (G>A on the coding strand, the complement: WDR4 is on the minus strand). VCF-style: chr21-42873626-C-T. GRCh37 (hg19) VCF-style: chr21-44293736-C-T.
Other names: c.221G>A, p.Ser74Asn (NM_001260474.2, NM_033661.5); c.-166G>A (NM_001260475.2, NM_001260476.2, NM_001260477.2 and 1 more transcripts); short protein forms S74N.
Identifiers: ClinVar variation 2108577 (VCV002108577.4), dbSNP rs779140436, ClinGen allele CA10046217.